The following is an entry in ClinVar:

ClinVar aggregate classification (germline): Uncertain significance (1 of 4 stars; one submission).

Conditions:
Hypomyelination and Congenital Cataract (HLD5). Also called: hypomyelinating leukodystrophy 5. Identifiers: Orphanet 85163, MedGen C1864663, MONDO:0012514, OMIM 610532.

Allele frequency attached by ClinVar (database versions not stated): gnomAD exomes below 0.00001; gnomAD 0.00001.
gnomAD v4.1: 3 of 1,613,502 alleles (0.00019%); highest among the groups gnomAD compares: Admixed American, 0.0017%; no homozygotes.

Submission:

Labcorp Genetics (formerly Invitae), Labcorp
Classification: Uncertain significance for Hypomyelination and Congenital Cataract. Last evaluated: 2022-07-01. Review status: criteria provided, single submitter. Criteria: Invitae Variant Classification Sherloc (09022015). Collection method: clinical testing. Allele origin: germline.
Comment: In summary, the available evidence is currently insufficient to determine the role of this variant in disease. Therefore, it has been classified as a Variant of Uncertain Significance. Algorithms developed to predict the effect of missense changes on protein structure and function (SIFT, PolyPhen-2, Align-GVGD) all suggest that this variant is likely to be tolerated. This variant has not been reported in the literature in individuals affected with FAM126A-related conditions. This variant is present in population databases (no rsID available, gnomAD 0.003%). This sequence change replaces asparagine, which is neutral and polar, with lysine, which is basic and polar, at codon 380 of the FAM126A protein (p.Asn380Lys).

NM_032581.4(HYCC1):c.1140C>A (p.Asn380Lys)

Gene: HYCC1 (hyccin PI4KA lipid kinase complex subunit 1; minus strand). Cytogenetic location: 7p15.3.
Variant type: single nucleotide variant.
Coding change: c.1140C>A on transcript NM_032581.4 (MANE Select); coding-DNA position 1140, C replaced by A.
Protein change: p.Asn380Lys; replaces asparagine 380 with lysine.
Molecular consequence: missense variant. On other transcripts: 3 prime UTR variant (2).
Genome position (GRCh38, 1-based): chr7:22,946,015, G>T on the plus strand (C>A on the coding strand, the complement: HYCC1 is on the minus strand). VCF-style: chr7-22946015-G-T. GRCh37 (hg19) VCF-style: chr7-22985634-G-T.
Other names: c.*176C>A (NM_001363466.2); c.*134C>A (NM_001363467.2); short protein forms N380K.
Identifiers: ClinVar variation 1976855 (VCV001976855.4), dbSNP rs1356800047, ClinGen allele CA366970357.